The following is an entry in ClinVar:

NM_001365999.1(SZT2):c.*1858G>C

Genes: HYI (hydroxypyruvate isomerase (putative); minus strand), SZT2 (SZT2 subunit of KICSTOR complex; plus strand). Cytogenetic location: 1p34.2.
Variant type: single nucleotide variant.
Coding change: c.*1858G>C on transcript NM_001365999.1 (MANE Select); 1858 bases downstream of the stop codon, G replaced by C.
Molecular consequence: 3 prime UTR variant. On other transcripts: intron variant (4).
Genome position (GRCh38, 1-based): chr1:43,452,338, G>C. VCF-style: chr1-43452338-G-C. GRCh37 (hg19) VCF-style: chr1-43918009-G-C.
Other names: c.*1858G>C (NM_015284.4); c.387-19C>G (NM_001243526.2, NM_001330526.2); c.312-19C>G (NM_031207.6, NM_001190880.3).
Identifiers: ClinVar variation 2637467 (VCV002637467.1), dbSNP rs1355615901, ClinGen allele CA735999823.

ClinVar aggregate classification (germline): Uncertain significance (1 of 4 stars; one submission).

Allele frequency attached by ClinVar (database versions not stated): gnomAD exomes below 0.00001.
gnomAD v4.1: 1 of 1,593,558 alleles (0.000063%); highest among the groups gnomAD compares: Non-Finnish European, 0.000086%; no homozygotes.

Submission:

Women's Health and Genetics/Laboratory Corporation of America, LabCorp
Classification: Uncertain significance. Last evaluated: 2023-10-25. Review status: criteria provided, single submitter. Criteria: LabCorp Variant Classification Summary - May 2015. Collection method: clinical testing. Allele origin: germline.
Comment: Variant summary: C1orf84 c.*1858G>C is located in the untranslated mRNA region downstream of the termination codon. The variant was absent in 244106 control chromosomes (gnomAD). The available data on variant occurrences in the general population are insufficient to allow any conclusion about variant significance. To our knowledge, no occurrence of c.*1858G>C in individuals affected with Early Infantile Epileptic Encephalopathy 18 and no experimental evidence demonstrating its impact on protein function have been reported. No submitters have cited clinical-significance assessments for this variant to ClinVar after 2014. Based on the evidence outlined above, the variant was classified as uncertain significance.